The following is an entry in ClinVar:

NM_007294.4(BRCA1):c.31G>T (p.Val11Leu)

Gene: BRCA1 (BRCA1 DNA repair associated; minus strand). Cytogenetic location: 17q21.31.
Variant type: single nucleotide variant.
Coding change: c.31G>T on transcript NM_007294.4 (MANE Select); coding-DNA position 31, G replaced by T.
Protein change: p.Val11Leu; replaces valine 11 with leucine.
Molecular consequence: missense variant. On other transcripts: 5 prime UTR variant (1), non-coding transcript variant (1).
Genome position (GRCh38, 1-based): chr17:43,124,066, C>A on the plus strand (G>T on the coding strand, the complement: BRCA1 is on the minus strand). VCF-style: chr17-43124066-C-A. GRCh37 (hg19) VCF-style: chr17-41276083-C-A.
Other names: c.-158G>T (NM_001407571.1, NM_001407853.1, NM_001407879.1 and 46 more transcripts); c.31G>T, p.Val11Leu (NM_001407581.1, NM_001407582.1, NM_001407583.1 and 193 more transcripts); c.-230G>T (NM_001407725.1, NM_001407730.1, NM_001407734.1 and 22 more transcripts); c.-176G>T (NM_001407726.1, NM_001407751.1); c.-227G>T (NM_001407727.1, NM_001407731.1, NM_001407733.1 and 11 more transcripts); c.-57G>T (NM_001407732.1, NM_001407736.1, NM_001407738.1 and 23 more transcripts); c.-234G>T (NM_001407741.1, NM_001407934.1, NM_001408497.1); c.-107G>T (NM_001407841.1); and 8 more; short protein forms V11L.
Identifiers: ClinVar variation 865021 (VCV000865021.3), dbSNP rs1555601019, ClinGen allele CA10602097.

Conditions:
Breast-ovarian cancer, familial, susceptibility to, 1 (BROVCA1). Also called: BRCA1 Hereditary Breast and Ovarian Cancer; OVARIAN CANCER, SUSCEPTIBILITY TO. Identifiers: Orphanet 145, MedGen C2676676, MONDO:0011450, OMIM 604370. Disease mechanism: loss of function.

Submission:

Brotman Baty Institute, University of Washington
No classification provided (evidence only). Condition: Breast-ovarian cancer, familial 1. Review status: no classification provided. Collection method: in vitro. Allele origin: not applicable. Functional consequence: function_uncertain_variant.
ClinVar note: "not provided" was previously submitted as the classification for the variant. However, the classification appeared to be based only on an observation of functional data so it was converted to no classification on 2025-07-30.